The following is an entry in ClinVar:

ClinVar aggregate classification (germline): Likely pathogenic (1 of 4 stars; one submission).

Submission:

Labcorp Genetics (formerly Invitae), Labcorp
Classification: Likely pathogenic. Last evaluated: 2025-04-01. Review status: criteria provided, single submitter. Criteria: Invitae Variant Classification Sherloc (09022015). Collection method: clinical testing. Allele origin: germline.
Comment: This sequence change affects an acceptor splice site in intron 20 of the COL27A1 gene. It is expected to disrupt RNA splicing. Variants that disrupt the donor or acceptor splice site typically lead to a loss of protein function (PMID: 16199547), and loss-of-function variants in COL27A1 are known to be pathogenic (PMID: 24986830, 28276056). This variant is not present in population databases (gnomAD no frequency). This variant has not been reported in the literature in individuals affected with COL27A1-related conditions. Algorithms developed to predict the effect of sequence changes on RNA splicing suggest that this variant may disrupt the consensus splice site. In summary, the currently available evidence indicates that the variant is pathogenic, but additional data are needed to prove that conclusively. Therefore, this variant has been classified as Likely Pathogenic.

Literature cited by the submitters: PubMed 16199547; PubMed 24986830; PubMed 28276056.

NM_032888.4(COL27A1):c.2782-2A>T

Gene: COL27A1 (collagen type XXVII alpha 1 chain; plus strand). Cytogenetic location: 9q32.
Variant type: single nucleotide variant.
Coding change: c.2782-2A>T on transcript NM_032888.4 (MANE Select); the canonical splice acceptor site of the intron before coding-DNA position 2782, A replaced by T.
Molecular consequence: splice acceptor variant.
Genome position (GRCh38, 1-based): chr9:114,240,432, A>T. VCF-style: chr9-114240432-A-T. GRCh37 (hg19) VCF-style: chr9-117002712-A-T.
Identifiers: ClinVar variation 4716078 (VCV004716078.1).